The following is an entry in ClinVar:

ClinVar aggregate classification (germline): Uncertain significance (1 of 4 stars; one submission).

Allele frequency attached by ClinVar (database versions not stated): gnomAD 0.00005; TOPMed 0.00005; ExAC 0.00007; ESP Exome Variant Server 0.00008.

Submission:

Labcorp Genetics (formerly Invitae), Labcorp
Classification: Uncertain significance. Last evaluated: 2023-10-14. Review status: criteria provided, single submitter. Criteria: Invitae Variant Classification Sherloc (09022015). Collection method: clinical testing. Allele origin: germline.
Comment: This sequence change replaces alanine, which is neutral and non-polar, with threonine, which is neutral and polar, at codon 870 of the KANK4 protein (p.Ala870Thr). This variant is present in population databases (rs150211365, gnomAD 0.02%). This variant has not been reported in the literature in individuals affected with KANK4-related conditions. An algorithm developed to predict the effect of missense changes on protein structure and function (PolyPhen-2) suggests that this variant is likely to be tolerated. In summary, the available evidence is currently insufficient to determine the role of this variant in disease. Therefore, it has been classified as a Variant of Uncertain Significance.

NM_181712.5(KANK4):c.2608G>A (p.Ala870Thr)

Gene: KANK4 (KN motif and ankyrin repeat domains 4; minus strand). Cytogenetic location: 1p31.3.
Variant type: single nucleotide variant.
Coding change: c.2608G>A on transcript NM_181712.5 (MANE Select); coding-DNA position 2608, G replaced by A.
Protein change: p.Ala870Thr; replaces alanine 870 with threonine.
Molecular consequence: missense variant.
Genome position (GRCh38, 1-based): chr1:62,253,141, C>T on the plus strand (G>A on the coding strand, the complement: KANK4 is on the minus strand). VCF-style: chr1-62253141-C-T. GRCh37 (hg19) VCF-style: chr1-62718813-C-T.
Other names: c.724G>A, p.Ala242Thr (NM_001320269.2); short protein forms A242T, A870T.
Identifiers: ClinVar variation 2713174 (VCV002713174.3), dbSNP rs150211365, ClinGen allele CA884032.